The following is an entry in ClinVar:

NM_212482.4(FN1):c.1159A>G (p.Ser387Gly)

Genes: FN1 (fibronectin 1; minus strand), LOC126806498 (CDK7 strongly-dependent group 2 enhancer GRCh37_chr2:216288045-216289244; plus strand). Cytogenetic location: 2q35.
Variant type: single nucleotide variant.
Coding change: c.1159A>G on transcript NM_212482.4 (MANE Select); coding-DNA position 1159, A replaced by G.
Protein change: p.Ser387Gly; replaces serine 387 with glycine.
Molecular consequence: missense variant.
Genome position (GRCh38, 1-based): chr2:215,424,203, T>C on the plus strand (A>G on the coding strand, the complement: FN1 is on the minus strand). VCF-style: chr2-215424203-T-C. GRCh37 (hg19) VCF-style: chr2-216288926-T-C.
Other names: c.1159A>G, p.Ser387Gly (NM_001306129.2, NM_001306130.2, NM_001306131.2 and 14 more transcripts); short protein forms S387G.
Identifiers: ClinVar variation 3647953 (VCV003647953.2).

ClinVar aggregate classification (germline): Uncertain significance (1 of 4 stars; one submission).

Submission:

Labcorp Genetics (formerly Invitae), Labcorp
Classification: Uncertain significance. Last evaluated: 2024-06-19. Review status: criteria provided, single submitter. Criteria: Invitae Variant Classification Sherloc (09022015). Collection method: clinical testing. Allele origin: germline.
Comment: This sequence change replaces serine, which is neutral and polar, with glycine, which is neutral and non-polar, at codon 387 of the FN1 protein (p.Ser387Gly). This variant is not present in population databases (gnomAD no frequency). This variant has not been reported in the literature in individuals affected with FN1-related conditions. Advanced modeling of protein sequence and biophysical properties (such as structural, functional, and spatial information, amino acid conservation, physicochemical variation, residue mobility, and thermodynamic stability) performed at Invitae indicates that this missense variant is not expected to disrupt FN1 protein function with a negative predictive value of 80%. In summary, the available evidence is currently insufficient to determine the role of this variant in disease. Therefore, it has been classified as a Variant of Uncertain Significance.